The following is an entry in ClinVar:

NM_001365536.1(SCN9A):c.597G>C (p.Ala199=)

Gene: SCN9A (sodium voltage-gated channel alpha subunit 9; minus strand). Cytogenetic location: 2q24.3.
Variant type: single nucleotide variant.
Coding change: c.597G>C on transcript NM_001365536.1 (MANE Select); coding-DNA position 597, G replaced by C.
Protein change: p.Ala199=; no amino-acid change (alanine 199 retained).
Molecular consequence: synonymous variant.
Genome position (GRCh38, 1-based): chr2:166,304,329, C>G on the plus strand (G>C on the coding strand, the complement: SCN9A is on the minus strand). VCF-style: chr2-166304329-C-G. GRCh37 (hg19) VCF-style: chr2-167160839-C-G.
Other names: c.597G>C, p.Ala199= (NM_002977.4).
Identifiers: ClinVar variation 1492379 (VCV001492379.8), dbSNP rs2106524115, ClinGen allele CA429910060.

ClinVar aggregate classification (germline): Uncertain significance (1 of 4 stars; one submission).

Conditions:
Generalized epilepsy with febrile seizures plus, type 7 (GEFSP7). Also called: GEFS+, TYPE 7. Identifiers: Orphanet 36387, MedGen C2751778, MONDO:0013470, OMIM 613863.
Neuropathy, hereditary sensory and autonomic, type 2A (HSAN2A). Also called: ACROOSTEOLYSIS, GIACCAI TYPE; ACROOSTEOLYSIS, NEUROGENIC; HSAN IIA; MORVAN DISEASE; NEUROPATHY, CONGENITAL SENSORY; NEUROPATHY, HEREDITARY SENSORY RADICULAR, AUTOSOMAL RECESSIVE. Identifiers: Orphanet 970, MedGen C2752089, MONDO:0024309, OMIM 201300.

Submission:

Labcorp Genetics (formerly Invitae), Labcorp
Classification: Uncertain significance for Neuropathy, hereditary sensory and autonomic, type 2A; Generalized epilepsy with febrile seizures plus, type 7. Last evaluated: 2021-03-23. Review status: criteria provided, single submitter. Criteria: Invitae Variant Classification Sherloc (09022015). Collection method: clinical testing. Allele origin: germline.
Comment: This variant has not been reported in the literature in individuals with SCN9A-related conditions. This variant is not present in population databases (ExAC no frequency). This sequence change affects codon 199 of the SCN9A mRNA. It is a 'silent' change, meaning that it does not change the encoded amino acid sequence of the SCN9A protein. In summary, the available evidence is currently insufficient to determine the role of this variant in disease. Therefore, it has been classified as a Variant of Uncertain Significance. Algorithms developed to predict the effect of sequence changes on RNA splicing suggest that this variant may disrupt the consensus splice site, but this prediction has not been confirmed by published transcriptional studies.